The following is an entry in ClinVar:

NM_001605.3(AARS1):c.1912T>G (p.Phe638Val)

Gene: AARS1 (alanyl-tRNA synthetase 1; minus strand). Cytogenetic location: 16q22.1.
Variant type: single nucleotide variant.
Coding change: c.1912T>G on transcript NM_001605.3 (MANE Select); coding-DNA position 1912, T replaced by G.
Protein change: p.Phe638Val; replaces phenylalanine 638 with valine.
Molecular consequence: missense variant.
Genome position (GRCh38, 1-based): chr16:70,259,060, A>C on the plus strand (T>G on the coding strand, the complement: AARS1 is on the minus strand). VCF-style: chr16-70259060-A-C. GRCh37 (hg19) VCF-style: chr16-70292963-A-C.
Other names: short protein forms F638V.
Identifiers: ClinVar variation 3719421 (VCV003719421.2).

ClinVar aggregate classification (germline): Uncertain significance (1 of 4 stars; one submission).

Conditions:
Charcot-Marie-Tooth disease type 2. Also called: Charcot-Marie-Tooth type 2. Identifiers: Orphanet 64746, MedGen C0270914, MONDO:0018993.

gnomAD v4.1: 2 of 1,614,136 alleles (0.00012%); highest among the groups gnomAD compares: Non-Finnish European, 0.00017%; no homozygotes.

Submission:

Labcorp Genetics (formerly Invitae), Labcorp
Classification: Uncertain significance for Charcot-Marie-Tooth disease type 2. Last evaluated: 2024-11-08. Review status: criteria provided, single submitter. Criteria: Invitae Variant Classification Sherloc (09022015). Collection method: clinical testing. Allele origin: germline.
Comment: This sequence change replaces phenylalanine, which is neutral and non-polar, with valine, which is neutral and non-polar, at codon 638 of the AARS protein (p.Phe638Val). This variant is not present in population databases (gnomAD no frequency). This variant has not been reported in the literature in individuals affected with AARS-related conditions. Invitae Evidence Modeling of protein sequence and biophysical properties (such as structural, functional, and spatial information, amino acid conservation, physicochemical variation, residue mobility, and thermodynamic stability) has been performed for this missense variant. However, the output from this modeling did not meet the statistical confidence thresholds required to predict the impact of this variant on AARS protein function. In summary, the available evidence is currently insufficient to determine the role of this variant in disease. Therefore, it has been classified as a Variant of Uncertain Significance.